The following is an entry in ClinVar:

ClinVar aggregate classification (germline): Uncertain significance (1 of 4 stars; one submission).

Conditions:
Inborn genetic diseases. Identifiers: MedGen C0950123, MeSH D030342.

Submission:

Ambry Genetics
Classification: Uncertain significance for Inborn genetic diseases. Last evaluated: 2023-09-09. Review status: criteria provided, single submitter. Criteria: Ambry Variant Classification Scheme 2023. Collection method: clinical testing. Allele origin: germline.
Comment: The p.P298H variant (also known as c.893C>A), located in coding exon 7 of the BUB1B gene, results from a C to A substitution at nucleotide position 893. The proline at codon 298 is replaced by histidine, an amino acid with similar properties. This amino acid position is conserved. In addition, this alteration is predicted to be tolerated by in silico analysis. Since supporting evidence is limited at this time, the clinical significance of this alteration remains unclear.

NM_001211.6(BUB1B):c.893C>A (p.Pro298His)

Gene: BUB1B (BUB1 mitotic checkpoint serine/threonine kinase B; plus strand). Cytogenetic location: 15q15.1.
Variant type: single nucleotide variant.
Coding change: c.893C>A on transcript NM_001211.6 (MANE Select); coding-DNA position 893, C replaced by A.
Protein change: p.Pro298His; replaces proline 298 with histidine.
Molecular consequence: missense variant.
Genome position (GRCh38, 1-based): chr15:40,185,306, C>A. VCF-style: chr15-40185306-C-A. GRCh37 (hg19) VCF-style: chr15-40477507-C-A.
Other names: short protein forms P298H.
Identifiers: ClinVar variation 2585936 (VCV002585936.2), dbSNP rs986620736, ClinGen allele CA391684552.